The following is an entry in ClinVar:

NM_000466.3(PEX1):c.786_787del (p.Glu262fs)

Gene: PEX1 (peroxisomal biogenesis factor 1; minus strand). Cytogenetic location: 7q21.2.
Variant type: Microsatellite.
Coding change: c.786_787del on transcript NM_000466.3 (MANE Select); coding-DNA positions 786 to 787, 2 bases deleted (GA; older notation c.786_787delGA).
Protein change: p.Glu262fs; shifts the reading frame from glutamic acid 262.
Molecular consequence: frameshift variant.
Genome position (GRCh38, 1-based): chr7:92,517,728-92,517,729, TC deleted on the plus strand (GA on the coding strand, the reverse complement: PEX1 is on the minus strand); deleting any 2 consecutive bases within chr7:92,517,728-92,517,732 gives the same sequence; the c. name uses the placement nearest the transcript's 3' end. VCF-style (leftmost placement, unchanged base first): chr7-92517727-GTC-G. GRCh37 (hg19) VCF-style: chr7-92147041-GTC-G.
Other names: c.786_787del, p.Glu262fs (NM_001282677.2); c.162_163del, p.Glu54fs (NM_001282678.2); short protein forms E262fs, E54fs.
Identifiers: ClinVar variation 1446920 (VCV001446920.6), dbSNP rs2116245705, ClinGen allele CA2536830658.

ClinVar aggregate classification (germline): Pathogenic (1 of 4 stars; one submission).

Conditions:
Zellweger spectrum disorders (ZS). Also called: Zellweger Spectrum Disorder (ZSD); Zellweger Spectrum Disorder; Zellweger Spectrum; Zellweger syndrome. Identifiers: Orphanet 912, MedGen C0043459, MONDO:0019609.

Submission:

Labcorp Genetics (formerly Invitae), Labcorp
Classification: Pathogenic for Zellweger spectrum disorders. Last evaluated: 2021-03-17. Review status: criteria provided, single submitter. Criteria: Invitae Variant Classification Sherloc (09022015). Collection method: clinical testing. Allele origin: germline.
Comment: This sequence change creates a premature translational stop signal (p.Glu262Aspfs*7) in the PEX1 gene. It is expected to result in an absent or disrupted protein product. Loss-of-function variants in PEX1 are known to be pathogenic (PMID: 9398847, 16086329, 16141001, 21031596, 26387595, 31831025). This variant is not present in population databases (ExAC no frequency). This variant has not been reported in the literature in individuals with PEX1-related conditions. For these reasons, this variant has been classified as Pathogenic.

Literature cited by the submitters: PubMed 9398847; PubMed 16086329; PubMed 16141001; PubMed 21031596; PubMed 26387595; PubMed 31831025.